The following is an entry in ClinVar:

ClinVar aggregate classification (germline): Uncertain significance. Review status: criteria provided, multiple submitters, no conflicts (2 of 4 stars). 2 submissions from 2 submitters: Uncertain significance (2). Last evaluated 2020-01-16.

Conditions:
Hereditary cancer-predisposing syndrome. Also called: Neoplastic Syndromes, Hereditary; Tumor predisposition; Hereditary Cancer Syndrome; Hereditary neoplastic syndrome. Identifiers: Orphanet 140162, MedGen C0027672, MeSH D009386, MONDO:0015356.

Allele frequency attached by ClinVar (database versions not stated): gnomAD exomes below 0.00001.
gnomAD v4.1: 1 of 1,613,818 alleles (0.000062%); highest among the groups gnomAD compares: Non-Finnish European, 0.000085%; no homozygotes.

Submissions (2):

Labcorp Genetics (formerly Invitae), Labcorp
Classification: Uncertain significance for Hereditary cancer-predisposing syndrome. Last evaluated: 2020-01-16. Review status: criteria provided, single submitter. Criteria: Invitae Variant Classification Sherloc (09022015). Collection method: clinical testing. Allele origin: germline.
Comment: In summary, the available evidence is currently insufficient to determine the role of this variant in disease. Therefore, it has been classified as a Variant of Uncertain Significance. Algorithms developed to predict the effect of missense changes on protein structure and function are either unavailable or do not agree on the potential impact of this missense change (SIFT: "Tolerated"; PolyPhen-2: "Possibly Damaging"; Align-GVGD: "Class C0"). This variant has not been reported in the literature in individuals with RAD50-related conditions. ClinVar contains an entry for this variant (Variation ID: 484632). This variant is not present in population databases (ExAC no frequency). This sequence change replaces aspartic acid with asparagine at codon 637 of the RAD50 protein (p.Asp637Asn). The aspartic acid residue is moderately conserved and there is a small physicochemical difference between aspartic acid and asparagine.

Ambry Genetics
Classification: Uncertain significance for Hereditary cancer-predisposing syndrome. Last evaluated: 2016-02-11. Review status: criteria provided, single submitter. Criteria: Ambry Variant Classification Scheme 2023. Collection method: clinical testing. Allele origin: germline.
Comment: The p.D637N variant (also known as c.1909G>A), located in coding exon 12 of the RAD50 gene, results from a G to A substitution at nucleotide position 1909. The aspartic acid at codon 637 is replaced by asparagine, an amino acid with highly similar properties. This variant was not reported in population based cohorts in the following databases: Database of Single Nucleotide Polymorphisms (dbSNP), NHLBI Exome Sequencing Project (ESP), and 1000 Genomes Project. In the ESP, this variant was not observed in 6503 samples (13006 alleles) with coverage at this position. To date, this alteration has been detected with an allele frequency of approximately 0.001% (greater than 120000 alleles tested) in our clinical cohort. This amino acid position is highly conserved in available vertebrate species. In addition, this alteration is predicted to be tolerated by in silico analysis. Since supporting evidence is limited at this time, the clinical significance of this alteration remains unclear.

NM_005732.4(RAD50):c.1909G>A (p.Asp637Asn)

Gene: RAD50 (RAD50 double strand break repair protein; plus strand). Cytogenetic location: 5q31.1.
Variant type: single nucleotide variant.
Coding change: c.1909G>A on transcript NM_005732.4 (MANE Select); coding-DNA position 1909, G replaced by A.
Protein change: p.Asp637Asn; replaces aspartic acid 637 with asparagine.
Molecular consequence: missense variant.
Genome position (GRCh38, 1-based): chr5:132,594,984, G>A. VCF-style: chr5-132594984-G-A. GRCh37 (hg19) VCF-style: chr5-131930676-G-A.
Other names: short protein forms D637N.
Identifiers: ClinVar variation 484632 (VCV000484632.14), dbSNP rs1554098601, ClinGen allele CA360948129.